The following is an entry in ClinVar:

ClinVar aggregate classification (germline): Likely pathogenic (1 of 4 stars; one submission).

Conditions:
Blepharophimosis, ptosis, and epicanthus inversus syndrome. Identifiers: Orphanet 126, MedGen C0220663, MONDO:0007201, OMIM 110100.

Submission:

Genomic Diagnostic Laboratory, Division of Genomic Diagnostics, Children's Hospital of Philadelphia
Classification: Likely pathogenic for Blepharophimosis, ptosis, and epicanthus inversus syndrome. Last evaluated: 2016-11-03. Review status: criteria provided, single submitter. Criteria: DGD Variant Analysis Guidelines. Collection method: clinical testing. Allele origin: germline. Affected: yes. Observed: 1 variant allele.
Comment: Clinical Testing

NM_023067.4(FOXL2):c.187A>C (p.Ile63Leu)

Gene: FOXL2 (forkhead box L2; minus strand). Cytogenetic location: 3q22.3.
Variant type: single nucleotide variant.
Coding change: c.187A>C on transcript NM_023067.4 (MANE Select); coding-DNA position 187, A replaced by C.
Protein change: p.Ile63Leu; replaces isoleucine 63 with leucine.
Molecular consequence: missense variant.
Genome position (GRCh38, 1-based): chr3:138,946,536, T>G on the plus strand (A>C on the coding strand, the complement: FOXL2 is on the minus strand). VCF-style: chr3-138946536-T-G. GRCh37 (hg19) VCF-style: chr3-138665378-T-G.
Other names: short protein forms I63L.
Identifiers: ClinVar variation 369891 (VCV000369891.1), dbSNP rs1057516144, ClinGen allele CA10654904.
Genomic context (GRCh38, chr3:138,946,536, plus strand): 5'-ACTGGTAGATGCCGGACAGCGTGAGCCTCTTCTCCGCGCTCTCGCGGATCGCCATGGCGA[T>G]GAGCGCCACGTACGAGTACGGGGGCTTCTGCGCCGGGTCCGGCTTCTCCGGGGCTGTCCC-3'
Protein context (NP_075555.1, residues 53-73): QKPPYSYVAL[Ile63Leu]AMAIRESAEK